The following is an entry in ClinVar:

ClinVar aggregate classification (germline): Pathogenic. Review status: criteria provided, multiple submitters, no conflicts (2 of 4 stars). 3 submissions from 3 submitters: Pathogenic (3). Last evaluated 2024-03-24.

Conditions:
Tyrosinemia type I (TYRSN1). Also called: Fumarylacetoacetase deficiency; Deficiency of fumarylacetoacetase; FAH DEFICIENCY; HEPATORENAL TYROSINEMIA; Tyrosinemia type 1. Identifiers: Orphanet 882, MedGen C0268490, MONDO:0010161, OMIM 276700. Disease mechanism: loss of function.

Submissions (3):

Baylor Genetics
Classification: Pathogenic for Tyrosinemia type I. Last evaluated: 2024-03-24. Review status: criteria provided, single submitter. Criteria: ACMG Guidelines, 2015. Collection method: clinical testing. Allele origin: unknown.

Labcorp Genetics (formerly Invitae), Labcorp
Classification: Pathogenic for Tyrosinemia type I. Last evaluated: 2023-01-29. Review status: criteria provided, single submitter. Criteria: Invitae Variant Classification Sherloc (09022015). Collection method: clinical testing. Allele origin: germline.
Comment: This sequence change affects an acceptor splice site in intron 8 of the FAH gene. It is expected to disrupt RNA splicing. Variants that disrupt the donor or acceptor splice site typically lead to a loss of protein function (PMID: 16199547), and loss-of-function variants in FAH are known to be pathogenic (PMID: 9101289, 9633815). This variant is not present in population databases (gnomAD no frequency). Disruption of this splice site has been observed in individuals with tyrosinemia type 1 (PMID: 9633815, 12203990). This variant is also known as IVS8–1G>C. ClinVar contains an entry for this variant (Variation ID: 928612). Algorithms developed to predict the effect of sequence changes on RNA splicing suggest that this variant may disrupt the consensus splice site. For these reasons, this variant has been classified as Pathogenic.

Women's Health and Genetics/Laboratory Corporation of America, LabCorp
Classification: Pathogenic for Tyrosinemia type I. Last evaluated: 2019-01-07. Review status: criteria provided, single submitter. Criteria: LabCorp Variant Classification Summary - May 2015. Collection method: clinical testing. Allele origin: germline.
Comment: Variant summary: The variant, FAH c.707-1G>C is located in a canonical splice-site and is predicted to affect mRNA splicing resulting in a significantly altered protein due to either exon skipping, shortening, or inclusion of intronic material. Several computational tools predict a significant impact on normal splicing: Five predict the variant abolishes a 3'- acceptor site. The variant was absent in 246268 control chromosomes (gnomAD) and has been reported in the literature in multiple individuals affected with Tyrosinemia Type 1 (Elpeleg_2002, Bergman_1998). These data indicate that the variant is very likely to be associated with disease. To our knowledge, no experimental evidence demonstrating an impact on protein function has been reported. No clinical diagnostic laboratories have submitted clinical-significance assessments for this variant to ClinVar after 2014. Based on the evidence outlined above, the variant was classified as pathogenic.

Literature cited by the submitters: PubMed 16199547 (cited by Labcorp Genetics (formerly Invitae), Labcorp); PubMed 9101289 (cited by Labcorp Genetics (formerly Invitae), Labcorp); PubMed 9633815 (cited by Labcorp Genetics (formerly Invitae), Labcorp and Women's Health and Genetics/Laboratory Corporation of America, LabCorp); PubMed 12203990 (cited by Labcorp Genetics (formerly Invitae), Labcorp); PubMed 11754109 (cited by Women's Health and Genetics/Laboratory Corporation of America, LabCorp).

NM_000137.4(FAH):c.707-1G>C

Gene: FAH (fumarylacetoacetate hydrolase; plus strand). Cytogenetic location: 15q25.1.
Variant type: single nucleotide variant.
Coding change: c.707-1G>C on transcript NM_000137.4 (MANE Select); the canonical splice acceptor site of the intron before coding-DNA position 707, G replaced by C.
Molecular consequence: splice acceptor variant.
Genome position (GRCh38, 1-based): chr15:80,173,013, G>C. VCF-style: chr15-80173013-G-C. GRCh37 (hg19) VCF-style: chr15-80465355-G-C.
Other names: c.707-1G>C (NM_001374377.1, NM_001374380.1).
Identifiers: ClinVar variation 928612 (VCV000928612.5), dbSNP rs149052294, ClinGen allele CA393620632.